The following is an entry in ClinVar:

NM_001142800.2(EYS):c.7002C>A (p.Cys2334Ter)

Gene: EYS (EGF-like photoreceptor maintenance factor; minus strand). Cytogenetic location: 6q12.
Variant type: single nucleotide variant.
Coding change: c.7002C>A on transcript NM_001142800.2 (MANE Select); coding-DNA position 7002, C replaced by A.
Protein change: p.Cys2334Ter; replaces cysteine 2334 with a stop codon.
Molecular consequence: nonsense.
Genome position (GRCh38, 1-based): chr6:63,984,436, G>T on the plus strand (C>A on the coding strand, the complement: EYS is on the minus strand). VCF-style: chr6-63984436-G-T. GRCh37 (hg19) VCF-style: chr6-64694329-G-T.
Other names: c.7002C>A, p.Cys2334Ter (NM_001292009.2); short protein forms C2334*.
Identifiers: ClinVar variation 5012334 (VCV005012334.1).

ClinVar aggregate classification (germline): Pathogenic (1 of 4 stars; one submission).

Conditions:
Retinitis pigmentosa 25 (RP25). Identifiers: Orphanet 791, MedGen C1864446, MONDO:0011272, OMIM 602772.

Submission:

Myriad Genetics, Inc.
Classification: Pathogenic for Retinitis pigmentosa 25. Last evaluated: 2024-05-14. Review status: criteria provided, single submitter. Criteria: Myriad Autosomal Dominant, Autosomal Recessive and X-Linked Classification Criteria (2023). Collection method: clinical testing. Allele origin: unknown.
Comment: NM_001142800.1(EYS):c.7002C>A(C2334*) is expected to be pathogenic in the context of retinitis pigmentosa, EYS-related. This variant is predicted to lead to an abnormal or absent protein product due to the creation of a premature termination codon in EYS, a gene where loss-of-function variants are known to be pathogenic. Please note: this variant was assessed in the context of healthy population screening.